The following is an entry in ClinVar:

NM_020778.5(ALPK3):c.-14G>A

Gene: ALPK3 (alpha kinase 3; plus strand). Cytogenetic location: 15q25.3.
Variant type: single nucleotide variant.
Coding change: c.-14G>A on transcript NM_020778.5 (MANE Select); 14 bases upstream of the start codon, G replaced by A.
Molecular consequence: 5 prime UTR variant.
Genome position (GRCh38, 1-based): chr15:84,817,439, G>A. VCF-style: chr15-84817439-G-A. GRCh37 (hg19) VCF-style: chr15-85360670-G-A.
Other names: c.593G>A (NM_020778.4).
Identifiers: ClinVar variation 1346746 (VCV001346746.8), dbSNP rs1194445562, ClinGen allele CA393369230.
Genomic context (GRCh38, chr15:84,817,439, plus strand): 5'-GCCCGGGGGCCGGGGCCTGGAGGACAGGCGAGGCAGCGGCGAGTGCGGGGCCGGCGGTCG[G>A]GGAGGGCGGTGCCATGGGGTCGCGGAGGGCCCCCAGCCGGGGCTGGGGCGCGGGTGGGCG-3'

ClinVar aggregate classification (germline): Conflicting classifications of pathogenicity. Review status: criteria provided, conflicting classifications (1 of 4 stars). 2 submissions from 2 submitters: Uncertain significance (1); Likely benign (1). Last evaluated 2026-08-28.

Conditions:
Cardiovascular phenotype. Identifiers: MedGen CN230736.

Allele frequency attached by ClinVar (database versions not stated): gnomAD exomes below 0.00001; TOPMed 0.00002; gnomAD 0.00001.
gnomAD v4.1: 7 of 1,274,430 alleles (0.00055%); highest among the groups gnomAD compares: Admixed American, 0.0043%; no homozygotes.

Submissions (2):

Ambry Genetics
Classification: Likely benign for Cardiovascular phenotype. Last evaluated: 2026-08-28. Review status: criteria provided, single submitter. Criteria: Ambry Variant Classification Scheme 2023. Collection method: clinical testing. Allele origin: germline.

Labcorp Genetics (formerly Invitae), Labcorp
Classification: Uncertain significance. Last evaluated: 2026-02-01. Review status: criteria provided, single submitter. Criteria: Invitae Variant Classification Sherloc (09022015). Collection method: clinical testing. Allele origin: germline.
Comment: This sequence change replaces glycine, which is neutral and non-polar, with glutamic acid, which is acidic and polar, at codon 198 of the ALPK3 protein (p.Gly198Glu). This variant is present in population databases (no rsID available, gnomAD no frequency). This variant has not been reported in the literature in individuals affected with ALPK3-related conditions. ClinVar contains an entry for this variant (Variation ID: 1346746). An algorithm developed to predict the effect of missense changes on protein structure and function outputs the following: PolyPhen-2: "Benign". The glutamic acid amino acid residue is found in multiple mammalian species, which suggests that this missense change does not adversely affect protein function. In summary, the available evidence is currently insufficient to determine the role of this variant in disease. Therefore, it has been classified as a Variant of Uncertain Significance.